The following is an entry in ClinVar:

NM_005956.4(MTHFD1):c.468C>T (p.Ile156=)

Gene: MTHFD1 (methylenetetrahydrofolate dehydrogenase, cyclohydrolase and formyltetrahydrofolate synthetase 1; plus strand). Cytogenetic location: 14q23.3.
Variant type: single nucleotide variant.
Coding change: c.468C>T on transcript NM_005956.4 (MANE Select); coding-DNA position 468, C replaced by T.
Protein change: p.Ile156=; no amino-acid change (isoleucine 156 retained).
Molecular consequence: synonymous variant.
Genome position (GRCh38, 1-based): chr14:64,415,729, C>T. VCF-style: chr14-64415729-C-T. GRCh37 (hg19) VCF-style: chr14-64882447-C-T.
Other names: c.468C>T, p.Ile156= (NM_001364837.1).
Identifiers: ClinVar variation 3031594 (VCV003031594.3), dbSNP rs1346769283, ClinGen allele CA486711182.

ClinVar aggregate classification (germline): Likely benign. Review status: criteria provided, single submitter (1 of 4 stars). 2 submissions from 2 submitters: Likely benign (1). 1 of the submissions does not count toward it. Last evaluated 2025-11-24.

Conditions:
MTHFD1-related disorder. Also called: MTHFD1-related condition.

Allele frequency attached by ClinVar (database versions not stated): gnomAD exomes below 0.00001; gnomAD 0.00001; TOPMed 0.00001.
gnomAD v4.1: 5 of 1,613,840 alleles (0.00031%); highest among the groups gnomAD compares: African/African-American, 0.004%; no homozygotes.

Submissions (2):

Labcorp Genetics (formerly Invitae), Labcorp
Classification: Likely benign. Last evaluated: 2025-11-24. Review status: criteria provided, single submitter. Criteria: Invitae Variant Classification Sherloc (09022015). Collection method: clinical testing. Allele origin: germline.

PreventionGenetics, part of Exact Sciences
Classification: Likely benign for MTHFD1-related condition. Last evaluated: 2021-02-10. Review status: no assertion criteria provided. Collection method: clinical testing. Allele origin: germline. Not counted in ClinVar's aggregate classification.
Comment: This variant is classified as likely benign based on ACMG/AMP sequence variant interpretation guidelines (Richards et al. 2015 PMID: 25741868, with internal and published modifications).